The following is an entry in ClinVar:

NM_015338.6(ASXL1):c.3205G>A (p.Val1069Ile)

Gene: ASXL1 (ASXL transcriptional regulator 1; plus strand). Cytogenetic location: 20q11.21.
Variant type: single nucleotide variant.
Coding change: c.3205G>A on transcript NM_015338.6 (MANE Select); coding-DNA position 3205, G replaced by A.
Protein change: p.Val1069Ile; replaces valine 1069 with isoleucine.
Molecular consequence: missense variant.
Genome position (GRCh38, 1-based): chr20:32,435,917, G>A. VCF-style: chr20-32435917-G-A. GRCh37 (hg19) VCF-style: chr20-31023720-G-A.
Other names: c.3205G>A (NM_015338.5); c.3022G>A, p.Val1008Ile (NM_001363734.1); short protein forms V1008I, V1069I.
Identifiers: ClinVar variation 1695014 (VCV001695014.38), dbSNP rs560992020, ClinGen allele CA9808776.

ClinVar aggregate classification (germline): Conflicting classifications of pathogenicity. Review status: criteria provided, conflicting classifications (1 of 4 stars). 3 submissions from 3 submitters: Uncertain significance (1); Likely benign (2). Last evaluated 2025-01-17.

Conditions:
Inborn genetic diseases. Identifiers: MedGen C0950123, MeSH D030342.

Allele frequency attached by ClinVar (database versions not stated): gnomAD 0.00001; gnomAD exomes 0.00001 and 0.00003; TOPMed 0.00001; ExAC 0.00007; 1000 Genomes Project 30x 0.00016; 1000 Genomes Project 0.00020.

Submissions (3):

Ambry Genetics
Classification: Likely benign for Inborn genetic diseases. Last evaluated: 2025-01-17. Review status: criteria provided, single submitter. Criteria: Ambry Variant Classification Scheme 2023. Collection method: clinical testing. Allele origin: germline.

Labcorp Genetics (formerly Invitae), Labcorp
Classification: Uncertain significance. Last evaluated: 2024-05-21. Review status: criteria provided, single submitter. Criteria: Invitae Variant Classification Sherloc (09022015). Collection method: clinical testing. Allele origin: germline.
Comment: This sequence change replaces valine, which is neutral and non-polar, with isoleucine, which is neutral and non-polar, at codon 1069 of the ASXL1 protein (p.Val1069Ile). This variant is present in population databases (rs560992020, gnomAD 0.02%). This variant has not been reported in the literature in individuals affected with ASXL1-related conditions. ClinVar contains an entry for this variant (Variation ID: 1695014). An algorithm developed to predict the effect of missense changes on protein structure and function (PolyPhen-2) suggests that this variant is likely to be disruptive. In summary, the available evidence is currently insufficient to determine the role of this variant in disease. Therefore, it has been classified as a Variant of Uncertain Significance.

CeGaT Center for Human Genetics Tuebingen
Classification: Likely benign. Last evaluated: 2022-06-01. Review status: criteria provided, single submitter. Criteria: CeGaT Center For Human Genetics Tuebingen Variant Classification Criteria Version 2. Collection method: clinical testing. Allele origin: germline. Affected: yes. Observed: 1 variant allele.
Comment: ASXL1: BP4